The following is an entry in ClinVar:

NM_001042492.3(NF1):c.3833A>G (p.Asn1278Ser)

Gene: NF1 (neurofibromin 1; plus strand). Cytogenetic location: 17q11.2.
Variant type: single nucleotide variant.
Coding change: c.3833A>G on transcript NM_001042492.3 (MANE Select); coding-DNA position 3833, A replaced by G.
Protein change: p.Asn1278Ser; replaces asparagine 1278 with serine.
Molecular consequence: missense variant.
Genome position (GRCh38, 1-based): chr17:31,235,735, A>G. VCF-style: chr17-31235735-A-G. GRCh37 (hg19) VCF-style: chr17-29562753-A-G.
Other names: c.3833A>G, p.Asn1278Ser (NM_000267.4); short protein forms N1278S.
Identifiers: ClinVar variation 1000531 (VCV001000531.6), dbSNP rs2067188951, ClinGen allele CA398992781.

ClinVar aggregate classification (germline): Uncertain significance. Review status: criteria provided, multiple submitters, no conflicts (2 of 4 stars). 2 submissions from 2 submitters: Uncertain significance (2). Last evaluated 2025-11-13.

Conditions:
Neurofibromatosis, type 1 (NF1). Also called: NEUROFIBROMATOSIS, TYPE I, SOMATIC; Peripheral type neurofibromatosis; VON RECKLINGHAUSEN DISEASE; Neurofibromatosis, type I. Identifiers: Orphanet 636, MedGen C0027831, MONDO:0018975, OMIM 162200. Disease mechanism: loss of function.
Hereditary cancer-predisposing syndrome. Also called: Hereditary neoplastic syndrome; Neoplastic Syndromes, Hereditary; Tumor predisposition; Hereditary Cancer Syndrome. Identifiers: Orphanet 140162, MedGen C0027672, MeSH D009386, MONDO:0015356.
Cardiovascular phenotype. Identifiers: MedGen CN230736.

Allele frequency attached by ClinVar (database versions not stated): gnomAD exomes below 0.00001.
gnomAD v4.1: 2 of 1,614,174 alleles (0.00012%); highest among the groups gnomAD compares: Non-Finnish European, 0.00017%; no homozygotes.

Submissions (2):

Ambry Genetics
Classification: Uncertain significance for Cardiovascular phenotype; Hereditary cancer-predisposing syndrome. Last evaluated: 2025-11-13. Review status: criteria provided, single submitter. Criteria: Ambry Variant Classification Scheme 2023. Collection method: clinical testing. Allele origin: germline.
Comment: The p.N1278S variant (also known as c.3833A>G), located in coding exon 28 of the NF1 gene, results from an A to G substitution at nucleotide position 3833. The asparagine at codon 1278 is replaced by serine, an amino acid with highly similar properties. This amino acid position is conserved. In addition, the in silico prediction for this alteration is inconclusive. Based on the available evidence, the clinical significance of this variant remains unclear.

Labcorp Genetics (formerly Invitae), Labcorp
Classification: Uncertain significance for Neurofibromatosis, type 1. Last evaluated: 2022-09-13. Review status: criteria provided, single submitter. Criteria: Invitae Variant Classification Sherloc (09022015). Collection method: clinical testing. Allele origin: germline.
Comment: In summary, the available evidence is currently insufficient to determine the role of this variant in disease. Therefore, it has been classified as a Variant of Uncertain Significance. This variant disrupts the p.Asn1278 amino acid residue in NF1. Other variant(s) that disrupt this residue have been determined to be pathogenic (PMID: 28961165). This suggests that this residue is clinically significant, and that variants that disrupt this residue are likely to be disease-causing. Advanced modeling of protein sequence and biophysical properties (such as structural, functional, and spatial information, amino acid conservation, physicochemical variation, residue mobility, and thermodynamic stability) performed at Invitae indicates that this missense variant is expected to disrupt NF1 protein function. ClinVar contains an entry for this variant (Variation ID: 1000531). This variant has not been reported in the literature in individuals affected with NF1-related conditions. This variant is not present in population databases (gnomAD no frequency). This sequence change replaces asparagine, which is neutral and polar, with serine, which is neutral and polar, at codon 1278 of the NF1 protein (p.Asn1278Ser).

Literature cited by the submitters: PubMed 28961165 (cited by Labcorp Genetics (formerly Invitae), Labcorp).